The following is an entry in ClinVar:

ClinVar aggregate classification (germline): Pathogenic. Review status: criteria provided, multiple submitters, no conflicts (2 of 4 stars). 9 submissions from 8 submitters: Pathogenic (6). 3 of the submissions do not count toward it. Last evaluated 2024-03-14.

Conditions:
Muscular dystrophy, limb-girdle, autosomal recessive 23. Identifiers: Orphanet 565837, MedGen C4748327, MONDO:0029136, OMIM 618138.
Muscular dystrophy, congenital, merosin deficient or partially deficient.
LAMA2-related muscular dystrophy (LAMA2-RD). Also called: Laminin alpha 2-related dystrophy. Identifiers: MedGen C5679788, MONDO:0100228.
Congenital muscular dystrophy due to partial LAMA2 deficiency. Identifiers: MedGen C1842898.
Merosin deficient congenital muscular dystrophy (MDC1A). Also called: Congenital Muscular Dystrophy Type 1A (MDC1A); Congenital merosin-deficient muscular dystrophy 1A. Identifiers: Orphanet 258, MedGen C1263858, MONDO:0011925, OMIM 607855.

Submissions (9):

Genomic Medicine Center of Excellence, King Faisal Specialist Hospital and Research Centre
Classification: Pathogenic for Muscular dystrophy, congenital, merosin deficient or partially deficient. Last evaluated: 2024-03-14. Review status: criteria provided, single submitter. Criteria: ACMG Guidelines, 2015. Collection method: clinical testing. Allele origin: germline.

Labcorp Genetics (formerly Invitae), Labcorp
Classification: Pathogenic for LAMA2-related muscular dystrophy. Last evaluated: 2022-06-20. Review status: criteria provided, single submitter. Criteria: Invitae Variant Classification Sherloc (09022015). Collection method: clinical testing. Allele origin: germline.
Comment: Studies have shown that disruption of this splice site alters LAMA2 gene expression (PMID: 22166137). Studies have shown that disruption of this splice site results in skipping of exon 26, but is expected to preserve the integrity of the reading-frame (PMID: 9158149). For these reasons, this variant has been classified as Pathogenic. ClinVar contains an entry for this variant (Variation ID: 447685). This sequence change affects a donor splice site in intron 26 of the LAMA2 gene. RNA analysis indicates that disruption of this splice site induces altered splicing and likely results in a shortened protein product. This variant is not present in population databases (gnomAD no frequency). Disruption of this splice site has been observed in individual(s) with congenital muscular dystrophy (PMID: 9158149, 22166137). It has also been observed to segregate with disease in related individuals. This variant is also known as 3973+2T>C.

Mayo Clinic Laboratories, Mayo Clinic
Classification: Pathogenic. Last evaluated: 2019-07-29. Review status: criteria provided, single submitter. Criteria: ACMG Guidelines, 2015. Collection method: clinical testing. Allele origin: germline. Observed: 1 variant allele.
Comment: PVS1, PS4_moderate, PM2, PP3

Eurofins Ntd Llc (ga)
Classification: Pathogenic. Last evaluated: 2018-08-10. Review status: criteria provided, single submitter. Criteria: EGL ClinVar v180209 classification definitions. Collection method: clinical testing. Allele origin: germline. Observed: 3 variant alleles, 3 heterozygotes.

Athena Diagnostics
Classification: Pathogenic. Last evaluated: 2016-12-13. Review status: criteria provided, single submitter. Criteria: Athena Diagnostics Criteria. Collection method: clinical testing. Allele origin: germline.

Pathology and Clinical Laboratory Medicine, King Fahad Medical City
Classification: Pathogenic for Merosin deficient congenital muscular dystrophy. Review status: criteria provided, single submitter. Criteria: ACMG Guidelines, 2015. Collection method: clinical testing. Allele origin: germline. Affected: yes. Observed: 4 variant alleles.

Biochemical Molecular Genetic Laboratory, King Abdulaziz Medical City
Classification: Pathogenic for Merosin deficient congenital muscular dystrophy. Last evaluated: 2019-09-26. Review status: no assertion criteria provided. Collection method: clinical testing. Allele origin: germline. Affected: yes. Not counted in ClinVar's aggregate classification.

Biochemical Molecular Genetic Laboratory, King Abdulaziz Medical City
Classification: Pathogenic for Muscular dystrophy, limb-girdle, autosomal recessive 23. Last evaluated: 2019-09-15. Review status: no assertion criteria provided. Collection method: clinical testing. Allele origin: germline. Affected: yes. Not counted in ClinVar's aggregate classification.

OMIM
Classification: Pathogenic for MUSCULAR DYSTROPHY, CONGENITAL, DUE TO PARTIAL LAMA2 DEFICIENCY. Last evaluated: 1997-05-01. Review status: no assertion criteria provided. Collection method: literature only. Allele origin: germline. Not counted in ClinVar's aggregate classification.

Literature cited by the submitters: PubMed 22166137 (cited by 3 submitters); PubMed 9158149 (cited by 5 submitters); PubMed 25525159 (cited by Mayo Clinic Laboratories, Mayo Clinic and Athena Diagnostics).

NM_000426.4(LAMA2):c.3924+2T>C

Gene: LAMA2 (laminin subunit alpha 2; plus strand). Cytogenetic location: 6q22.33.
Variant type: single nucleotide variant.
Coding change: c.3924+2T>C on transcript NM_000426.4 (MANE Select); the canonical splice donor site of the intron after coding-DNA position 3924, T replaced by C.
Molecular consequence: splice donor variant.
Genome position (GRCh38, 1-based): chr6:129,315,952, T>C. VCF-style: chr6-129315952-T-C. GRCh37 (hg19) VCF-style: chr6-129637097-T-C.
Other names: IVS25, T-C, +2; c.3924+2T>C (NM_001079823.2).
Identifiers: ClinVar variation 447685 (VCV000447685.19), dbSNP rs1554269966, ClinGen allele CA365613577.
Genomic context (GRCh38, chr6:129,315,952, plus strand): 5'-GGCATATGGCTGCTCCTCTGATTGGCCAATTGACAAGGCATGAAATTGAAATGACAGAGG[T>C]AAAGTTAGTCATTGTTTGGTGCAAAGATACCAATCAATGGTTTTGCATTCAGTTTTGTCA-3'